The following is an entry in ClinVar:

NM_001330288.2(SMARCC2):c.1224G>C (p.Lys408Asn)

Gene: SMARCC2 (SWI/SNF related BAF chromatin remodeling complex subunit C2; minus strand). Cytogenetic location: 12q13.2.
Variant type: single nucleotide variant.
Coding change: c.1224G>C on transcript NM_001330288.2 (MANE Select); coding-DNA position 1224, G replaced by C.
Protein change: p.Lys408Asn; replaces lysine 408 with asparagine.
Molecular consequence: missense variant.
Genome position (GRCh38, 1-based): chr12:56,178,490, C>G on the plus strand (G>C on the coding strand, the complement: SMARCC2 is on the minus strand). VCF-style: chr12-56178490-C-G. GRCh37 (hg19) VCF-style: chr12-56572274-C-G.
Other names: c.1224G>C, p.Lys408Asn (NM_001130420.3, NM_003075.5, NM_139067.4); short protein forms K408N.
Identifiers: ClinVar variation 2630885 (VCV002630885.3), dbSNP rs2540920380, ClinGen allele CA385349545.
Genomic context (GRCh38, chr12:56,178,490, plus strand): 5'-GCTGGGAATGATGATGTGGTGGGTCTGTTCAGTCACATTGTCCTCATGCAGGTCTGGATT[C>G]TTGGTCTGCTCTCCCTTGTTCCCCGTACTGTTCTCATCCTCATCCTACGAGTATGGAGGC-3'
Protein context (NP_001317217.1, residues 398-418): NSTGNKGEQT[Lys408Asn]NPDLHEDNVT

ClinVar aggregate classification (germline): Uncertain significance (0 of 4 stars; one submission).

Conditions:
SMARCC2-related disorder. Also called: SMARCC2-related condition.

Submission:

PreventionGenetics, part of Exact Sciences
Classification: Uncertain significance for SMARCC2-related condition. Last evaluated: 2023-11-30. Review status: no assertion criteria provided. Collection method: clinical testing. Allele origin: germline.
Comment: The SMARCC2 c.1224G>C variant is predicted to result in the amino acid substitution p.Lys408Asn. To our knowledge, this variant has not been reported in the literature or in a large population database, indicating this variant is rare. At this time, the clinical significance of this variant is uncertain due to the absence of conclusive functional and genetic evidence.